The following is an entry in ClinVar:

ClinVar aggregate classification (germline): Pathogenic (1 of 4 stars; one submission).

Conditions:
Ehlers-Danlos syndrome due to tenascin-X deficiency (EDSCLL1). Also called: EDS DUE TO TNX DEFICIENCY; TNX DEFICIENCY; Ehlers-Danlos syndrome, classic-like, 1; EHLERS-DANLOS SYNDROME, CLASSIC-LIKE; TNXB-Related Classical-Like Ehlers-Danlos Syndrome. Identifiers: Orphanet 230839, MedGen C1848029, MONDO:0011670, OMIM 606408.

Submission:

Myriad Genetics, Inc.
Classification: Pathogenic for Ehlers-Danlos syndrome due to tenascin-X deficiency. Last evaluated: 2025-10-16. Review status: criteria provided, single submitter. Criteria: Myriad Autosomal Dominant, Autosomal Recessive and X-Linked Classification Criteria (2023). Collection method: clinical testing. Allele origin: unknown.
Comment: NM_019105.6(TNXB):c.1182C>G(Y394*) is expected to be pathogenic in the context of classical-like Ehlers-Danlos syndrome, TNXB-related. This variant is predicted to lead to an abnormal or absent protein product due to the creation of a premature termination codon in TNXB, a gene where loss-of-function variants are known to be pathogenic. Please note: this variant was assessed in the context of healthy population screening.

NM_001365276.2(TNXB):c.1182C>G (p.Tyr394Ter)

Gene: TNXB (tenascin XB; minus strand). Cytogenetic location: 6p21.33.
Variant type: single nucleotide variant.
Coding change: c.1182C>G on transcript NM_001365276.2 (MANE Select); coding-DNA position 1182, C replaced by G.
Protein change: p.Tyr394Ter; replaces tyrosine 394 with a stop codon.
Molecular consequence: nonsense.
Genome position (GRCh38, 1-based): chr6:32,096,671, G>C on the plus strand (C>G on the coding strand, the complement: TNXB is on the minus strand). VCF-style: chr6-32096671-G-C. GRCh37 (hg19) VCF-style: chr6-32064448-G-C.
Other names: c.1182C>G, p.Tyr394Ter (NM_001428335.1, NM_019105.8); short protein forms Y394*.
Identifiers: ClinVar variation 5015098 (VCV005015098.1).